The following is an entry in ClinVar:

NM_032242.4(PLXNA1):c.102C>T (p.Gly34=)

Gene: PLXNA1 (plexin A1; plus strand). Cytogenetic location: 3q21.3.
Variant type: single nucleotide variant.
Coding change: c.102C>T on transcript NM_032242.4 (MANE Select); coding-DNA position 102, C replaced by T.
Protein change: p.Gly34=; no amino-acid change (glycine 34 retained).
Molecular consequence: synonymous variant.
Genome position (GRCh38, 1-based): chr3:126,988,695, C>T. VCF-style: chr3-126988695-C-T. GRCh37 (hg19) VCF-style: chr3-126707538-C-T.
Identifiers: ClinVar variation 3350326 (VCV003350326.7).

ClinVar aggregate classification (germline): Likely benign. Review status: criteria provided, multiple submitters, no conflicts (2 of 4 stars). 3 submissions from 3 submitters: Likely benign (2). 1 of the submissions does not count toward it. Last evaluated 2026-01-01.

Conditions:
PLXNA1-related disorder. Also called: PLXNA1-related condition.

gnomAD v4.1: 13 of 1,574,316 alleles (0.00083%); highest among the groups gnomAD compares: South Asian, 0.0036%; no homozygotes.

Submissions (3):

CeGaT Center for Human Genetics Tuebingen
Classification: Likely benign. Last evaluated: 2026-01-01. Review status: criteria provided, single submitter. Criteria: CeGaT Center For Human Genetics Tuebingen Variant Classification Criteria Version 2. Collection method: clinical testing. Allele origin: germline. Affected: yes. Observed: 1 variant allele.
Comment: PLXNA1: BP4, BP7

Labcorp Genetics (formerly Invitae), Labcorp
Classification: Likely benign. Last evaluated: 2024-02-24. Review status: criteria provided, single submitter. Criteria: Invitae Variant Classification Sherloc (09022015). Collection method: clinical testing. Allele origin: germline.

PreventionGenetics, part of Exact Sciences
Classification: Likely benign for PLXNA1-related condition. Last evaluated: 2024-07-10. Review status: no assertion criteria provided. Collection method: clinical testing. Allele origin: germline. Not counted in ClinVar's aggregate classification.
Comment: This variant is classified as likely benign based on ACMG/AMP sequence variant interpretation guidelines (Richards et al. 2015 PMID: 25741868, with internal and published modifications).